The following is an entry in ClinVar:

ClinVar aggregate classification (germline): Likely benign. Review status: criteria provided, multiple submitters, no conflicts (2 of 4 stars). 2 submissions from 2 submitters: Likely benign (2). Last evaluated 2024-04-15.

Allele frequency attached by ClinVar (database versions not stated): gnomAD 0.00005; TOPMed 0.00007; gnomAD exomes 0.00009.
gnomAD v4.1: 126 of 1,520,340 alleles (0.0083%); highest among the groups gnomAD compares: Admixed American, 0.038%; no homozygotes.

Submissions (2):

Blueprint Genetics
Classification: Likely benign. Last evaluated: 2024-04-15. Review status: criteria provided, single submitter. Criteria: ACMG Guidelines, 2015. Collection method: clinical testing. Allele origin: germline.

CeGaT Center for Human Genetics Tuebingen
Classification: Likely benign. Last evaluated: 2022-05-01. Review status: criteria provided, single submitter. Criteria: CeGaT Center For Human Genetics Tuebingen Variant Classification Criteria Version 2. Collection method: clinical testing. Allele origin: germline. Affected: yes. Observed: 1 variant allele.
Comment: DTNA: BP4

NM_001386795.1(DTNA):c.1167C>T (p.His389=)

Gene: DTNA (dystrobrevin alpha; plus strand). Cytogenetic location: 18q12.1.
Variant type: single nucleotide variant.
Coding change: c.1167C>T on transcript NM_001386795.1 (MANE Select); coding-DNA position 1167, C replaced by T.
Protein change: p.His389=; no amino-acid change (histidine 389 retained).
Molecular consequence: synonymous variant. On other transcripts: intron variant (27).
Genome position (GRCh38, 1-based): chr18:34,829,481, C>T. VCF-style: chr18-34829481-C-T. GRCh37 (hg19) VCF-style: chr18-32409445-C-T.
Other names: c.213C>T, p.His71= (NM_001198942.1, NM_001198944.1); c.1167C>T, p.His389= (NM_001386754.1, NM_001386755.1, NM_001386756.1 and 6 more transcripts); c.1094+1805C>T (NM_032975.4, NM_001386761.1, NM_001386762.1 and 3 more transcripts); c.1085+1805C>T (NM_001386763.1, NM_001386764.1, NM_001386768.1 and 14 more transcripts); c.603+17368C>T (NM_001198945.2); c.335+1805C>T (NM_001198943.1); c.131+1805C>T (NM_032980.4, NM_032981.5).
Identifiers: ClinVar variation 2648672 (VCV002648672.25), dbSNP rs1024046661, ClinGen allele CA297769852.
Genomic context (GRCh38, chr18:34,829,481, plus strand): 5'-ATCCAGCCCTGTGGCTGAAGAGCATTCCCTCATAAAGCTGTACGTAAATCAGCTTGATCA[C>T]GGTGCACGGTCAGTATCCCAGCCCTGAATTGCTAATCGTAGTAGTAGTTCCATAGCTAGA-3'
Protein context (NP_001373724.1, residues 379-399): LIKLYVNQLD[His389=]GARSPPKDSE